The following is an entry in ClinVar:

NM_005045.4(RELN):c.4985C>T (p.Thr1662Ile)

Gene: RELN (reelin; minus strand). Cytogenetic location: 7q22.1.
Variant type: single nucleotide variant.
Coding change: c.4985C>T on transcript NM_005045.4 (MANE Select); coding-DNA position 4985, C replaced by T.
Protein change: p.Thr1662Ile; replaces threonine 1662 with isoleucine.
Molecular consequence: missense variant.
Genome position (GRCh38, 1-based): chr7:103,565,503, G>A on the plus strand (C>T on the coding strand, the complement: RELN is on the minus strand). VCF-style: chr7-103565503-G-A. GRCh37 (hg19) VCF-style: chr7-103205950-G-A.
Other names: c.4985C>T, p.Thr1662Ile (NM_173054.3); short protein forms T1662I.
Identifiers: ClinVar variation 542576 (VCV000542576.8), dbSNP rs750833122, ClinGen allele CA4421347.

ClinVar aggregate classification (germline): Uncertain significance (1 of 4 stars; one submission).

Conditions:
Familial temporal lobe epilepsy 7. Identifiers: Orphanet 101046, MedGen C4225327, MONDO:0014639, OMIM 616436.
Norman-Roberts syndrome (LIS2). Also called: Lissencephaly 2 (Norman-Roberts type). Identifiers: Orphanet 89844, MedGen C0796089, MONDO:0009760, OMIM 257320.

Allele frequency attached by ClinVar (database versions not stated): gnomAD exomes below 0.00001; ExAC 0.00001; gnomAD 0.00001 and 0.00002; TOPMed 0.00002.
gnomAD v4.1: 7 of 1,613,636 alleles (0.00043%); highest among the groups gnomAD compares: Non-Finnish European, 0.00059%; no homozygotes.

Submission:

Labcorp Genetics (formerly Invitae), Labcorp
Classification: Uncertain significance for Familial temporal lobe epilepsy 7; Norman-Roberts syndrome. Last evaluated: 2024-12-16. Review status: criteria provided, single submitter. Criteria: Invitae Variant Classification Sherloc (09022015). Collection method: clinical testing. Allele origin: germline.
Comment: This sequence change replaces threonine, which is neutral and polar, with isoleucine, which is neutral and non-polar, at codon 1662 of the RELN protein (p.Thr1662Ile). This variant is present in population databases (rs750833122, gnomAD 0.0009%). This variant has not been reported in the literature in individuals affected with RELN-related conditions. ClinVar contains an entry for this variant (Variation ID: 542576). Invitae Evidence Modeling of protein sequence and biophysical properties (such as structural, functional, and spatial information, amino acid conservation, physicochemical variation, residue mobility, and thermodynamic stability) indicates that this missense variant is not expected to disrupt RELN protein function with a negative predictive value of 80%. In summary, the available evidence is currently insufficient to determine the role of this variant in disease. Therefore, it has been classified as a Variant of Uncertain Significance.